The following is an entry in ClinVar:

NM_004415.4(DSP):c.1481A>T (p.Tyr494Phe)

Gene: DSP (desmoplakin; plus strand). Cytogenetic location: 6p24.3.
Variant type: single nucleotide variant.
Coding change: c.1481A>T on transcript NM_004415.4 (MANE Select); coding-DNA position 1481, A replaced by T.
Protein change: p.Tyr494Phe; replaces tyrosine 494 with phenylalanine.
Molecular consequence: missense variant.
Genome position (GRCh38, 1-based): chr6:7,569,247, A>T. VCF-style: chr6-7569247-A-T. GRCh37 (hg19) VCF-style: chr6-7569480-A-T.
Other names: p.Y494F:TAC>TTC; c.1481A>T, p.Tyr494Phe (NM_001008844.3, NM_001319034.2); short protein forms Y494F.
Identifiers: ClinVar variation 44860 (VCV000044860.79), dbSNP rs28763961, ClinGen allele CA004966.

ClinVar aggregate classification (germline): Benign/Likely benign. Review status: criteria provided, multiple submitters, no conflicts (2 of 4 stars). 18 submissions from 16 submitters: Benign (12); Likely benign (2). 4 of the submissions do not count toward it. Last evaluated 2026-02-04.

Conditions:
Cardiovascular phenotype. Identifiers: MedGen CN230736.
Arrhythmogenic cardiomyopathy with wooly hair and keratoderma. Also called: PALMOPLANTAR KERATODERMA WITH LEFT VENTRICULAR CARDIOMYOPATHY AND WOOLLY HAIR; Arrhythmogenic cardiomyopathy with woolly hair and keratoderma; Dilated cardiomyopathy with woolly hair and keratoderma; Carvajal syndrome. Identifiers: Orphanet 65282, MedGen C1854063, MONDO:0011581, OMIM 605676.
Arrhythmogenic right ventricular dysplasia 8 (ARVD8). Also called: Arrhythmogenic Right Ventricular Dysplasia/Cardiomyopathy 8; ARRHYTHMOGENIC RIGHT VENTRICULAR DYSPLASIA, FAMILIAL, 8; ARRHYTHMOGENIC RIGHT VENTRICULAR CARDIOMYOPATHY 8. Identifiers: MedGen C1843896, MONDO:0011831, OMIM 607450.
Cardiomyopathy (CMYO). Also called: Cardiomyopathies. Identifiers: Orphanet 167848, MedGen C0878544, MONDO:0004994, HP:0001638. Inheritance: Various modes of inheritance.
Lethal acantholytic epidermolysis bullosa (EBLA). Identifiers: Orphanet 158687, MedGen C1864826, MONDO:0012323, OMIM 609638.
Woolly hair-skin fragility syndrome (WHSF). Identifiers: Orphanet 293165, MedGen C1843292, MONDO:0957307, OMIM 620415.
Cardiomyopathy, dilated, with wooly hair, keratoderma, and tooth agenesis. Also called: Cardiomyopathy, dilated, with woolly hair, keratoderma, and tooth agenesis; Erythrokeratodermia-cardiomyopathy syndrome. Identifiers: Orphanet 476096, Orphanet 65282, MedGen C4014393, MONDO:0014355, OMIM 615821.
Keratosis palmoplantaris striata 2. Also called: Keratosis palmoplantaris striata II; KERATODERMA, PALMOPLANTAR, STRIATE FORM II; STRIATE PALMOPLANTAR KERATODERMA II. Identifiers: MedGen C1852127, MONDO:0013034, OMIM 612908.

Allele frequency attached by ClinVar (database versions not stated): ESP Exome Variant Server 0.00054; gnomAD exomes 0.00497 and 0.01343; gnomAD 0.00618 and 0.00711; TOPMed 0.00693; ExAC 0.01176; 1000 Genomes Project 30x 0.01593; 1000 Genomes Project 0.01777.
gnomAD v4.1: 8,479 of 1,614,238 alleles (0.53%); highest among the groups gnomAD compares: East Asian, 8.5%; 272 homozygotes.

Submissions (18):

Labcorp Genetics (formerly Invitae), Labcorp
Classification: Benign for Arrhythmogenic cardiomyopathy with wooly hair and keratoderma; Arrhythmogenic right ventricular dysplasia 8. Last evaluated: 2026-02-04. Review status: criteria provided, single submitter. Criteria: Invitae Variant Classification Sherloc (09022015). Collection method: clinical testing. Allele origin: germline.

ARUP Laboratories, Molecular Genetics and Genomics, ARUP Laboratories
Classification: Benign. Last evaluated: 2025-06-05. Review status: criteria provided, single submitter. Criteria: ARUP Molecular Germline Variant Investigation Process 2024. Collection method: clinical testing. Allele origin: germline.

Blueprint Genetics
Classification: Likely benign. Last evaluated: 2024-11-26. Review status: criteria provided, single submitter. Criteria: ACMG Guidelines, 2015. Collection method: clinical testing. Allele origin: germline.

Fulgent Genetics
Classification: Likely benign for Arrhythmogenic cardiomyopathy with wooly hair and keratoderma; Arrhythmogenic right ventricular dysplasia 8; Lethal acantholytic epidermolysis bullosa; Keratosis palmoplantaris striata 2; Cardiomyopathy, dilated, with wooly hair, keratoderma, and tooth agenesis. Last evaluated: 2021-08-09. Review status: criteria provided, single submitter. Criteria: ACMG Guidelines, 2015. Collection method: clinical testing. Allele origin: unknown.

Color Diagnostics, LLC DBA Color Health
Classification: Benign for Cardiomyopathy. Last evaluated: 2018-03-07. Review status: criteria provided, single submitter. Criteria: ACMG Guidelines, 2015. Collection method: clinical testing. Allele origin: germline.

Illumina Laboratory Services, Illumina
Classification: Benign for Arrhythmogenic right ventricular dysplasia 8. Last evaluated: 2018-01-12. Review status: criteria provided, single submitter. Criteria: ICSL Variant Classification Criteria 13 December 2019. Collection method: clinical testing. Allele origin: germline.
Comment: This variant was observed in the ICSL laboratory as part of a predisposition screen in an ostensibly healthy population. It had not been previously curated by ICSL or reported in the Human Gene Mutation Database (HGMD: prior to June 1st, 2018), and was therefore a candidate for classification through an automated scoring system. Utilizing variant allele frequency, disease prevalence and penetrance estimates, and inheritance mode, an automated score was calculated to assess if this variant is too frequent to cause the disease. Based on the score and internal cut-off values, a variant classified as benign is not then subjected to further curation. The score for this variant resulted in a classification of benign for this disease.

Illumina Laboratory Services, Illumina
Classification: Benign for Lethal acantholytic epidermolysis bullosa. Last evaluated: 2018-01-12. Review status: criteria provided, single submitter. Criteria: ICSL Variant Classification Criteria 13 December 2019. Collection method: clinical testing. Allele origin: germline.
Comment: the same text as in the submission from Illumina Laboratory Services, Illumina above.

Illumina Laboratory Services, Illumina
Classification: Benign for Arrhythmogenic cardiomyopathy with wooly hair and keratoderma. Last evaluated: 2018-01-12. Review status: criteria provided, single submitter. Criteria: ICSL Variant Classification Criteria 13 December 2019. Collection method: clinical testing. Allele origin: germline.
Comment: the same text as in the submission from Illumina Laboratory Services, Illumina above.

Laboratory for Molecular Medicine, Mass General Brigham Personalized Medicine
Classification: Benign. Last evaluated: 2017-04-26. Review status: criteria provided, single submitter. Criteria: LMM Criteria. Collection method: clinical testing. Allele origin: germline. Observed: 22 variant alleles.
Comment: p.Tyr494Phe in exon 12 of DSP: This variant is not expected to have clinical sig nificance because it has been identified in 7.7% (669/8648) of East Asian chromo somes by the Exome Aggregation Consortium (ExAC; dbSNP rs28763961).

Mayo Clinic Laboratories, Mayo Clinic
Classification: Benign. Last evaluated: 2015-08-25. Review status: criteria provided, single submitter. Criteria: ACMG Guidelines, 2015. Collection method: clinical testing. Allele origin: germline. Observed: 16 variant alleles.

Ambry Genetics
Classification: Benign for Cardiovascular phenotype. Last evaluated: 2015-08-03. Review status: criteria provided, single submitter. Criteria: Ambry Variant Classification Scheme 2023. Collection method: clinical testing. Allele origin: germline.

Eurofins Ntd Llc (ga)
Classification: Benign. Last evaluated: 2015-07-10. Review status: criteria provided, single submitter. Criteria: EGL Classification Definitions 2015. Collection method: clinical testing. Allele origin: germline. Observed: 1 variant allele.

Biesecker Lab/Clinical Genomics Section, National Institutes of Health
Classification: Benign. Last evaluated: 2013-06-24. Review status: criteria provided, single submitter. Criteria: Ng et al. (Circ Cardiovasc Genet. 2013). Collection method: research. Allele origin: unknown. Observed: 6 variant alleles. Study: ClinSeq.
Comment: The study set was not selected for affection status in relation to any cancer. Pathogenicity categories were based on literature curation. See Pubmed ID:23861362 for details.

Medical sequencing

GeneDx
Classification: Benign. Last evaluated: 2011-08-02. Review status: criteria provided, single submitter. Criteria: GeneDx Variant Classification (06012015). Collection method: clinical testing. Allele origin: germline. Affected: yes.
Comment: This variant is considered likely benign or benign based on one or more of the following criteria: it is a conservative change, it occurs at a poorly conserved position in the protein, it is predicted to be benign by multiple in silico algorithms, and/or has population frequency not consistent with disease.

Clinical Genetics DNA and cytogenetics Diagnostics Lab, Erasmus MC, Erasmus Medical Center
Classification: Benign. Review status: no assertion criteria provided. Collection method: clinical testing. Allele origin: germline. Affected: yes. Study: VKGL Data-share Consensus. Not counted in ClinVar's aggregate classification.

Clinical Genetics, Academic Medical Center
Classification: Benign. Review status: no assertion criteria provided. Collection method: clinical testing. Allele origin: germline. Affected: yes. Study: VKGL Data-share Consensus. Not counted in ClinVar's aggregate classification.

Genome Diagnostics Laboratory, University Medical Center Utrecht
Classification: Likely benign. Review status: no assertion criteria provided. Collection method: clinical testing. Allele origin: germline. Affected: yes. Study: VKGL Data-share Consensus. Not counted in ClinVar's aggregate classification.

Joint Genome Diagnostic Labs from Nijmegen and Maastricht, Radboudumc and MUMC+
Classification: Benign. Review status: no assertion criteria provided. Collection method: clinical testing. Allele origin: germline. Affected: yes. Study: VKGL Data-share Consensus. Not counted in ClinVar's aggregate classification.

Literature cited by the submitters: PubMed 20152563 (cited by Laboratory for Molecular Medicine, Mass General Brigham Personalized Medicine); PubMed 24125834 (cited by Laboratory for Molecular Medicine, Mass General Brigham Personalized Medicine); PubMed 22214898 (cited by Laboratory for Molecular Medicine, Mass General Brigham Personalized Medicine).